The following is an entry in ClinVar:

NM_001750.7(CAST):c.2341-6T>C

Genes: CAST (calpastatin; plus strand), ERAP1 (endoplasmic reticulum aminopeptidase 1; minus strand). Cytogenetic location: 5q15.
Variant type: single nucleotide variant.
Coding change: c.2341-6T>C on transcript NM_001750.7 (MANE Select); 6 bases into the intron before coding-DNA position 2341, T replaced by C.
Molecular consequence: intron variant.
Genome position (GRCh38, 1-based): chr5:96,771,638, T>C. VCF-style: chr5-96771638-T-C. GRCh37 (hg19) VCF-style: chr5-96107342-T-C.
Other names: c.2026-6T>C (NM_001423254.1, NM_001423253.1, NM_173060.5); c.1984-6T>C (NM_001423259.1); c.1987-6T>C (NM_001423255.1, NM_001423256.1, NM_001423258.1 and 2 more transcripts); c.2092-6T>C (NM_001423250.1, NM_001042443.3); c.2053-6T>C (NM_001423251.1, NM_001423252.1, NM_001190442.2 and 1 more transcripts); c.1930-6T>C (NM_001423260.1, NM_001042446.3); c.2284-6T>C (NM_001042441.3); c.2245-6T>C (NM_001330626.2); and 14 more.
Identifiers: ClinVar variation 4822130 (VCV004822130.4).
Genomic context (GRCh38, chr5:96,771,638, plus strand): 5'-GAAGGCCATCTCCTCATACTTAATACAGAAAAGAAAGCTCACGGATGGTTTTGCTTTCCC[T>C]TTTAGACAACAGAGGAAACTTCCAAGCCAAAAGATGACTAAAGAAATACAAGTTAAGGTA-3'

ClinVar aggregate classification (germline): Uncertain significance (1 of 4 stars; one submission).

gnomAD v4.1: 141 of 1,610,206 alleles (0.0088%); highest among the groups gnomAD compares: Non-Finnish European, 0.01%; no homozygotes.

Submission:

CeGaT Center for Human Genetics Tuebingen
Classification: Uncertain significance. Last evaluated: 2026-03-01. Review status: criteria provided, single submitter. Criteria: CeGaT Center For Human Genetics Tuebingen Variant Classification Criteria Version 2. Collection method: clinical testing. Allele origin: germline. Affected: yes. Observed: 1 variant allele.
Comment: CAST: PM2, BP4